The following is an entry in ClinVar:

NC_000011.10:g.(?_94476279)_(94479771_?)del

Gene: MRE11 (MRE11 homolog, double strand break repair nuclease; minus strand). Cytogenetic location: 11q21.
Variant type: Deletion.
Identifiers: ClinVar variation 583603 (VCV000583603.8).

ClinVar aggregate classification (germline): Likely pathogenic. Review status: criteria provided, single submitter (1 of 4 stars). 2 submissions from 1 submitter: Likely pathogenic (2). Last evaluated 2018-04-22.

Conditions:
Ataxia-telangiectasia-like disorder (ATLD). Identifiers: MedGen C1858391, MONDO:0011457.
Ataxia-telangiectasia-like disorder 1 (ATLD1). Identifiers: Orphanet 251347, MedGen C4012790, MONDO:0024557, OMIM 604391.

Submissions (2):

Labcorp Genetics (formerly Invitae), Labcorp
Classification: Likely pathogenic for Ataxia-telangiectasia-like disorder 1. Last evaluated: 2018-04-22. Review status: criteria provided, single submitter. Criteria: Invitae Variant Classification Sherloc (09022015). Collection method: clinical testing. Allele origin: germline.
Comment: This variant is an in-frame deletion of the genomic region encompassing exons 5-7 of the MRE11 gene. It preserves the integrity of the reading frame. Deletion of exons 5-7 has not been reported in the literature in individuals with MRE11-related disease. This in-frame deletion partially disrupts the nuclease domain of the MRE11 protein (residues 1-246), which is required for DNA repair activity (PMID: 21252998, 18854157). A missense substitution in exon 5 (p.Asn117Ser) has been determined to be likely pathogenic (PMID: 10612394, 11371508, 22705791, 23080121).Â¬â€ This suggests that deletion of this region of the MRE11 protein is causative of disease. In summary, the currently available evidence indicates that the variant is pathogenic, but additional data are needed to prove that conclusively. Therefore, this variant has been classified as Likely Pathogenic.

Labcorp Genetics (formerly Invitae), Labcorp
Classification: Likely pathogenic for Ataxia-telangiectasia-like disorder. Last evaluated: 2018-04-12. Review status: criteria provided, single submitter. Criteria: Invitae Variant Classification Sherloc (09022015). Collection method: clinical testing. Allele origin: germline.
Comment: In summary, the currently available evidence indicates that the variant is pathogenic, but additional data are needed to prove that conclusively. Therefore, this variant has been classified as Likely Pathogenic. This in-frame deletion partially disrupts the nuclease domain of the MRE11 protein (residues 1-246), which is required for DNA repair activity (PMID: 21252998, 18854157). A missense substitution in exon 5 (p.Asn117Ser) has been determined to be likely pathogenic (PMID: 10612394, 11371508, 22705791, 23080121).¬†This suggests that deletion of this region of the MRE11 protein is causative of disease. Deletion of exons 5-7 has not been reported in the literature in individuals with MRE11-related disease. This variant is an in-frame deletion of the genomic region encompassing exons 5-7 of the MRE11 gene. It preserves the integrity of the reading frame.

Literature cited by the submitters: PubMed 10612394; PubMed 22705791; PubMed 21252998; PubMed 18854157; PubMed 23080121; PubMed 11371508.